The following is an entry in ClinVar:

ClinVar aggregate classification (germline): Pathogenic (1 of 4 stars; one submission).

Conditions:
Autosomal recessive limb-girdle muscular dystrophy. Identifiers: Orphanet 102015, MedGen C2931907, MONDO:0015152.

Submission:

Myriad Genetics, Inc.
Classification: Pathogenic for Autosomal recessive limb-girdle muscular dystrophy. Last evaluated: 2026-01-23. Review status: criteria provided, single submitter. Criteria: Myriad Autosomal Dominant, Autosomal Recessive and X-Linked Classification Criteria (2023). Collection method: clinical testing. Allele origin: unknown.
Comment: NM_003494.3(DYSF):c.4818delC(I1607*) is a nonsense variant classified as pathogenic in the context of dysferlinopathy. I1607* has not been observed in cases with relevant disease. Relevant functional assessments of this variant are not available in the literature. I1607* has not been observed in referenced population frequency databases. In summary, NM_003494.3(DYSF):c.4818delC(I1607*) is a nonsense variant in a gene where loss of function is a known mechanism of disease and is predicted to disrupt protein function. Please note: this variant was assessed in the context of healthy population screening.

NM_001130987.2(DYSF):c.4935del (p.Ser1645_Ile1646insTer)

Gene: DYSF (dysferlin; plus strand). Cytogenetic location: 2p13.2.
Variant type: Deletion.
Coding change: c.4935del on transcript NM_001130987.2 (MANE Select); coding-DNA position 4935, one base deleted (C; older notation c.4935delC).
Protein change: p.Ser1645_Ile1646insTer.
Molecular consequence: frameshift variant.
Genome position (GRCh38, 1-based): chr2:71,660,583, C deleted; the last of 2 consecutive C bases (chr2:71,660,582-71,660,583); deleting either gives the same sequence. VCF-style (leftmost placement, unchanged base first): chr2-71660581-TC-T. GRCh37 (hg19) VCF-style: chr2-71887711-TC-T.
Other names: c.4821del, p.Ser1607_Ile1608insTer (NM_001130455.2); c.4776del, p.Ser1592_Ile1593insTer (NM_001130976.2); c.4839del, p.Ser1613_Ile1614insTer (NM_001130977.2); c.4881del, p.Ser1627_Ile1628insTer (NM_001130978.2); c.4911del, p.Ser1637_Ile1638insTer (NM_001130979.2); c.4869del, p.Ser1623_Ile1624insTer (NM_001130980.2); c.4932del, p.Ser1644_Ile1645insTer (NM_001130981.2); c.4914del, p.Ser1638_Ile1639insTer (NM_001130982.2); and 5 more.
Identifiers: ClinVar variation 5004423 (VCV005004423.1).
Genomic context (GRCh38, chr2:71,660,581, plus strand): 5'-GAAAGTGTTTTCACAGAAGTGTTTTGTCTCCTCCTCCAGTGTGATCCTTACATCAAGATC[TC>T]CATAGGGAAGAAATCAGTGAGTGACCAGGATAACTACATCCCCTGCACGCTGGAGCCCGT-3'